The following is an entry in ClinVar:

NM_001009944.3(PKD1):c.11654_11683del (p.Val3885_Ser3894del)

Genes: PKD1 (polycystin 1, transient receptor potential channel interacting; minus strand), PKD1-AS1 (PKD1 antisense RNA 1; plus strand). Cytogenetic location: 16p13.3.
Variant type: Deletion.
Coding change: c.11654_11683del on transcript NM_001009944.3 (MANE Select); coding-DNA positions 11654 to 11683, 30 bases deleted (TCCGCCCCTTTGCGCTGCGCCGCCTCAGCG).
Protein change: p.Val3885_Ser3894del.
Molecular consequence: non-coding transcript variant (on NR_135175.1).
Genome position (GRCh38, 1-based): chr16:2,091,452-2,091,481, CGCTGAGGCGGCGCAGCGCAAAGGGGCGGA deleted on the plus strand (TCCGCCCCTTTGCGCTGCGCCGCCTCAGCG on the coding strand, the reverse complement: PKD1 is on the minus strand); deleting any 30 consecutive bases within chr16:2,091,452-2,091,489 gives the same sequence; the c. name uses the placement nearest the transcript's 3' end. VCF-style (leftmost placement, unchanged base first): chr16-2091451-GCGCTGAGGCGGCGCAGCGCAAAGGGGCGGA-G. GRCh37 (hg19) VCF-style: chr16-2141452-GCGCTGAGGCGGCGCAGCGCAAAGGGGCGGA-G.
Other names: c.11651_11680del, p.Val3884_Ser3893del (NM_000296.4).
Identifiers: ClinVar variation 4528368 (VCV004528368.2).

ClinVar aggregate classification (germline): Conflicting classifications of pathogenicity. Review status: criteria provided, conflicting classifications (1 of 4 stars). 2 submissions from 2 submitters: Likely pathogenic (1); Uncertain significance (1). Last evaluated 2025-02-14.

Conditions:
Polycystic kidney disease, adult type (PKD1). Also called: Polycystic Kidney, Autosomal Dominant; POLYCYSTIC KIDNEY DISEASE, ADULT, TYPE I; Polycystic Kidney Disease 1, Autosomal Dominant; Polycystic kidney disease 1; Polycystic kidney disease 1, severe; POLYCYSTIC KIDNEY DISEASE 1 WITH OR WITHOUT POLYCYSTIC LIVER DISEASE. Identifiers: MedGen C3149841, MONDO:0008263, OMIM 173900.

Submissions (2):

Bioscientia Institut fuer Medizinische Diagnostik GmbH, Sonic Healthcare
Classification: Likely pathogenic for Polycystic kidney disease, adult type. Last evaluated: 2025-02-14. Review status: criteria provided, single submitter. Criteria: ACMG Guidelines, 2015. Collection method: clinical testing. Allele origin: germline. Affected: yes.

Victorian Clinical Genetics Services, Murdoch Childrens Research Institute
Classification: Uncertain significance for Polycystic kidney disease, adult type. Last evaluated: 2025-01-23. Review status: criteria provided, single submitter. Criteria: ACMG Guidelines, 2015. Collection method: clinical testing. Allele origin: germline. Affected: yes.
Comment: This variant is classified as VUS-3A. Evidence in support of pathogenic classification: In-frame deletion in a non-repetitive region that has moderate conservation; Variant is absent from gnomAD (v2, v3 and v4); This variant has limited previous evidence of pathogenicity in an unrelated individual. This variant has been reported in an individual with polycystic kidney disease and was found to be mosaic in this individuals mildly affected mother (PMID: 31874800). Additional information: This variant is heterozygous; This gene is associated with autosomal dominant disease. Polycystic kidney disease 1 (MIM#173900) is predominantly caused by monoallelic variants, with rare reports of biallelic variants causing disease (OMIM); No published functional evidence has been identified for this variant; No comparable in-frame deletion variants have previous evidence for pathogenicity; Variant is located in the annotated polycystin domain and the polycystin cation channel (DECIPHER); Loss of function is a known mechanism of disease in this gene and is associated with polycystic kidney disease 1 (MIM#173900); Inheritance information for this variant is not currently available in this individual.

Literature cited by the submitters: PubMed 31874800 (cited by Victorian Clinical Genetics Services, Murdoch Childrens Research Institute).